The following is an entry in ClinVar:

NM_022787.4(NMNAT1):c.115+3A>G

Gene: NMNAT1 (nicotinamide nucleotide adenylyltransferase 1; plus strand). Cytogenetic location: 1p36.22.
Variant type: single nucleotide variant.
Coding change: c.115+3A>G on transcript NM_022787.4 (MANE Select); 3 bases into the intron after coding-DNA position 115, A replaced by G.
Molecular consequence: intron variant.
Genome position (GRCh38, 1-based): chr1:9,972,191, A>G. VCF-style: chr1-9972191-A-G. GRCh37 (hg19) VCF-style: chr1-10032249-A-G.
Other names: c.115+3A>G (NM_001297778.1, NM_001297779.2).
Identifiers: ClinVar variation 522303 (VCV000522303.42), dbSNP rs181504239, ClinGen allele CA579133.

ClinVar aggregate classification (germline): Benign/Likely benign. Review status: criteria provided, multiple submitters, no conflicts (2 of 4 stars). 8 submissions from 8 submitters: Benign (1); Likely benign (5). 2 of the submissions do not count toward it. Last evaluated 2026-04-01.

Conditions:
NMNAT1-related disorder. Also called: NMNAT1-related condition.
Leber congenital amaurosis 9 (LCA9). Also called: LCA9 Leber Congenital Amaurosis; LCA 9; Amaurosis congenita of Leber, type 9. Identifiers: Orphanet 65, MedGen C1837873, MONDO:0012056, OMIM 608553.

Allele frequency attached by ClinVar (database versions not stated): 1000 Genomes Project 0.00080; 1000 Genomes Project 30x 0.00094; TOPMed 0.00356; ESP Exome Variant Server 0.00392; gnomAD 0.00410 and 0.00447; gnomAD exomes 0.00497 and 0.00639; ExAC 0.00544.
gnomAD v4.1: 9,490 of 1,554,594 alleles (0.61%); highest among the groups gnomAD compares: Non-Finnish European, 0.73%; 38 homozygotes.

Submissions (8):

CeGaT Center for Human Genetics Tuebingen
Classification: Likely benign. Last evaluated: 2026-04-01. Review status: criteria provided, single submitter. Criteria: CeGaT Center For Human Genetics Tuebingen Variant Classification Criteria Version 2. Collection method: clinical testing. Allele origin: germline. Affected: yes. Observed: 7 variant alleles.
Comment: NMNAT1: BP4, BS2

Labcorp Genetics (formerly Invitae), Labcorp
Classification: Benign for Leber congenital amaurosis 9. Last evaluated: 2026-02-01. Review status: criteria provided, single submitter. Criteria: Invitae Variant Classification Sherloc (09022015). Collection method: clinical testing. Allele origin: germline.

Blueprint Genetics
Classification: Likely benign. Last evaluated: 2024-11-23. Review status: criteria provided, single submitter. Criteria: ACMG Guidelines, 2015. Collection method: clinical testing. Allele origin: germline.

Centre for Mendelian Genomics, University Medical Centre Ljubljana
Classification: Likely benign for Leber congenital amaurosis 9. Last evaluated: 2019-03-27. Review status: criteria provided, single submitter. Criteria: ACMG Guidelines, 2015. Collection method: clinical testing. Allele origin: unknown. Affected: yes.
Comment: This variant was classified as: Likely benign. The following ACMG criteria were applied in classifying this variant: BS1,BP4.

Clinical Genetics DNA and cytogenetics Diagnostics Lab, Erasmus MC, Erasmus Medical Center
Classification: Likely benign for Leber congenital amaurosis 9. Last evaluated: 2017-06-23. Review status: criteria provided, single submitter. Criteria: ACGS Guidelines, 2013. Collection method: clinical testing. Allele origin: germline. Affected: yes. Study: VKGL Data-share Consensus.

Breakthrough Genomics
Classification: Likely benign. Review status: criteria provided, single submitter. Criteria: ACMG Guidelines, 2015. Collection method: not provided. Allele origin: germline. Inheritance: Autosomal recessive inheritance. Affected: yes.

PreventionGenetics, part of Exact Sciences
Classification: Benign for NMNAT1-related condition. Last evaluated: 2019-07-18. Review status: no assertion criteria provided. Collection method: clinical testing. Allele origin: germline. Not counted in ClinVar's aggregate classification.
Comment: This variant is classified as benign based on ACMG/AMP sequence variant interpretation guidelines (Richards et al. 2015 PMID: 25741868, with internal and published modifications).

Clinical Genetics, Academic Medical Center
Classification: Benign. Review status: no assertion criteria provided. Collection method: clinical testing. Allele origin: germline. Affected: yes. Study: VKGL Data-share Consensus. Not counted in ClinVar's aggregate classification.